The following is an entry in ClinVar:

NM_032578.4(MYPN):c.2495C>T (p.Ser832Phe)

Gene: MYPN (myopalladin; plus strand). Cytogenetic location: 10q21.3.
Variant type: single nucleotide variant.
Coding change: c.2495C>T on transcript NM_032578.4 (MANE Select); coding-DNA position 2495, C replaced by T.
Protein change: p.Ser832Phe; replaces serine 832 with phenylalanine.
Molecular consequence: missense variant. On other transcripts: non-coding transcript variant (2).
Genome position (GRCh38, 1-based): chr10:68,174,587, C>T. VCF-style: chr10-68174587-C-T. GRCh37 (hg19) VCF-style: chr10-69934344-C-T.
Other names: c.2495C>T, p.Ser832Phe (NM_001256267.2); c.1613C>T, p.Ser538Phe (NM_001256268.2); c.2495C>T (NM_032578.3); short protein forms S538F, S832F.
Identifiers: ClinVar variation 1002631 (VCV001002631.9), dbSNP rs1416050336, ClinGen allele CA376847924.

ClinVar aggregate classification (germline): Uncertain significance. Review status: criteria provided, multiple submitters, no conflicts (2 of 4 stars). 2 submissions from 2 submitters: Uncertain significance (2). Last evaluated 2026-03-26.

Conditions:
Dilated cardiomyopathy 1KK (CMD1KK). Identifiers: Orphanet 154, Orphanet 75249, MedGen C3714995, MONDO:0014100, OMIM 615248.

Allele frequency attached by ClinVar (database versions not stated): gnomAD 0.00001; TOPMed below 0.00001.
gnomAD v4.1: 4 of 1,614,084 alleles (0.00025%); highest among the groups gnomAD compares: Non-Finnish European, 0.00034%; no homozygotes.

Submissions (2):

GeneDx
Classification: Uncertain significance. Last evaluated: 2026-03-26. Review status: criteria provided, single submitter. Criteria: GeneDx Variant Classification Process June 2021. Collection method: clinical testing. Allele origin: germline.
Comment: Not observed at significant frequency in large population cohorts (gnomAD); In silico analysis supports that this missense variant has a deleterious effect on protein structure/function; Has not been previously published as pathogenic or benign to our knowledge

Labcorp Genetics (formerly Invitae), Labcorp
Classification: Uncertain significance for Dilated cardiomyopathy 1KK. Last evaluated: 2022-07-26. Review status: criteria provided, single submitter. Criteria: Invitae Variant Classification Sherloc (09022015). Collection method: clinical testing. Allele origin: germline.
Comment: This sequence change replaces serine, which is neutral and polar, with phenylalanine, which is neutral and non-polar, at codon 832 of the MYPN protein (p.Ser832Phe). This variant is not present in population databases (gnomAD no frequency). This variant has not been reported in the literature in individuals affected with MYPN-related conditions. ClinVar contains an entry for this variant (Variation ID: 1002631). Algorithms developed to predict the effect of missense changes on protein structure and function are either unavailable or do not agree on the potential impact of this missense change (SIFT: "Deleterious"; PolyPhen-2: "Possibly Damaging"; Align-GVGD: "Class C15"). In summary, the available evidence is currently insufficient to determine the role of this variant in disease. Therefore, it has been classified as a Variant of Uncertain Significance.